The following is an entry in ClinVar:

NM_024529.5(CDC73):c.34A>G (p.Asn12Asp)

Gene: CDC73 (cell division cycle 73; plus strand). Cytogenetic location: 1q31.2.
Variant type: single nucleotide variant.
Coding change: c.34A>G on transcript NM_024529.5 (MANE Select); coding-DNA position 34, A replaced by G.
Protein change: p.Asn12Asp; replaces asparagine 12 with aspartic acid.
Molecular consequence: missense variant.
Genome position (GRCh38, 1-based): chr1:193,122,234, A>G. VCF-style: chr1-193122234-A-G. GRCh37 (hg19) VCF-style: chr1-193091364-A-G.
Other names: short protein forms N12D.
Identifiers: ClinVar variation 2847407 (VCV002847407.3), dbSNP rs1675464114, ClinGen allele CA343972792.

ClinVar aggregate classification (germline): Uncertain significance (1 of 4 stars; one submission).

Conditions:
Parathyroid carcinoma (PRTC). Also called: CDC73-Related Parathyroid Carcinoma; Parathyroid gland carcinoma. Identifiers: Orphanet 143, MedGen C0687150, MONDO:0012004, OMIM 608266, HP:0006780.

Submission:

Labcorp Genetics (formerly Invitae), Labcorp
Classification: Uncertain significance for Parathyroid carcinoma. Last evaluated: 2023-03-19. Review status: criteria provided, single submitter. Criteria: Invitae Variant Classification Sherloc (09022015). Collection method: clinical testing. Allele origin: germline.
Comment: Advanced modeling of protein sequence and biophysical properties (such as structural, functional, and spatial information, amino acid conservation, physicochemical variation, residue mobility, and thermodynamic stability) performed at Invitae indicates that this missense variant is expected to disrupt CDC73 protein function. This sequence change replaces asparagine, which is neutral and polar, with aspartic acid, which is acidic and polar, at codon 12 of the CDC73 protein (p.Asn12Asp). This variant is not present in population databases (gnomAD no frequency). This variant has not been reported in the literature in individuals affected with CDC73-related conditions. In summary, the available evidence is currently insufficient to determine the role of this variant in disease. Therefore, it has been classified as a Variant of Uncertain Significance.